The following is an entry in ClinVar:

NM_002878.4(RAD51D):c.738+402_*1465del

Genes: RAD51D (RAD51 paralog D; minus strand), RAD51L3-RFFL (RAD51L3-RFFL readthrough; minus strand). Cytogenetic location: 17q12.
Variant type: Deletion.
Coding change: c.738+402_*1465del on transcript NM_002878.4 (MANE Select); 402 bases into the intron after coding-DNA position 738 through 1465 bases downstream of the stop codon, 3,365 bases deleted.
Molecular consequence: splice acceptor variant, splice donor variant.
Genome position (GRCh38, 1-based): chr17:35,099,488-35,102,852, 3,365 bases deleted. GRCh37 (hg19): chr17:33,426,507-33,429,871.
Other names: c.402+402_*1465del (NM_133629.3); c.798+402_*1465del (NM_001142571.2).
Identifiers: ClinVar variation 986729 (VCV000986729.4), ClinGen allele CA2499224265.

ClinVar aggregate classification (germline): Pathogenic (1 of 4 stars; one submission).

Conditions:
Malignant tumor of breast. Also called: Malignant breast neoplasm; Cancer breast. Identifiers: MedGen C0006142, MONDO:0007254. Disease mechanism: loss of function.

Submission:

King Laboratory, University of Washington
Classification: Pathogenic for breast cancer. Last evaluated: 2020-09-01. Review status: criteria provided, single submitter. Criteria: ACMG Guidelines, 2015. Collection method: case-control. Allele origin: germline. Inheritance: Autosomal dominant inheritance. Affected: yes. Observed: 1 heterozygote.
Comment: Walsh T, Gulsuner S, Lee MK, Troester MA, Olshan AF, Earp HS, Perou CM, King M-C. Inherited predisposition to breast cancer in the Carolina Breast Cancer Study. NPJ Breast Cancer, accepted